The following is an entry in ClinVar:

NM_001792.5(CDH2):c.1541C>T (p.Thr514Ile)

Gene: CDH2 (cadherin 2; minus strand). Cytogenetic location: 18q12.1.
Variant type: single nucleotide variant.
Coding change: c.1541C>T on transcript NM_001792.5 (MANE Select); coding-DNA position 1541, C replaced by T.
Protein change: p.Thr514Ile; replaces threonine 514 with isoleucine.
Molecular consequence: missense variant.
Genome position (GRCh38, 1-based): chr18:27,990,154, G>A on the plus strand (C>T on the coding strand, the complement: CDH2 is on the minus strand). VCF-style: chr18-27990154-G-A. GRCh37 (hg19) VCF-style: chr18-25570118-G-A.
Other names: c.1448C>T, p.Thr483Ile (NM_001308176.2); short protein forms T483I, T514I.
Identifiers: ClinVar variation 3685806 (VCV003685806.2).

ClinVar aggregate classification (germline): Uncertain significance (1 of 4 stars; one submission).

gnomAD v4.1: 3 of 1,613,938 alleles (0.00019%); highest among the groups gnomAD compares: South Asian, 0.0022%; no homozygotes.

Submission:

Labcorp Genetics (formerly Invitae), Labcorp
Classification: Uncertain significance. Last evaluated: 2024-06-24. Review status: criteria provided, single submitter. Criteria: Invitae Variant Classification Sherloc (09022015). Collection method: clinical testing. Allele origin: germline.
Comment: This sequence change replaces threonine, which is neutral and polar, with isoleucine, which is neutral and non-polar, at codon 514 of the CDH2 protein (p.Thr514Ile). This variant is present in population databases (rs765366885, gnomAD 0.003%). This variant has not been reported in the literature in individuals affected with CDH2-related conditions. An algorithm developed to predict the effect of missense changes on protein structure and function (PolyPhen-2) suggests that this variant is likely to be tolerated. In summary, the available evidence is currently insufficient to determine the role of this variant in disease. Therefore, it has been classified as a Variant of Uncertain Significance.